The following is an entry in ClinVar:

NM_001377299.1(NDUFS2):c.1212+1G>T

Gene: NDUFS2 (NADH:ubiquinone oxidoreductase core subunit S2; plus strand). Cytogenetic location: 1q23.3.
Variant type: single nucleotide variant.
Coding change: c.1212+1G>T on transcript NM_001377299.1 (MANE Select); the canonical splice donor site of the intron after coding-DNA position 1212, G replaced by T.
Molecular consequence: splice donor variant.
Genome position (GRCh38, 1-based): chr1:161,213,476, G>T. VCF-style: chr1-161213476-G-T. GRCh37 (hg19) VCF-style: chr1-161183266-G-T.
Other names: c.1212+1G>T (NM_001377300.1, NM_001377298.1, NM_001377301.1 and 3 more transcripts); c.1134+1G>T (NM_001410889.1).
Identifiers: ClinVar variation 1478205 (VCV001478205.6), dbSNP rs2102057068, ClinGen allele CA343382672.

ClinVar aggregate classification (germline): Likely pathogenic (1 of 4 stars; one submission).

Allele frequency attached by ClinVar (database versions not stated): gnomAD exomes below 0.00001.

Submission:

Labcorp Genetics (formerly Invitae), Labcorp
Classification: Likely pathogenic. Last evaluated: 2021-12-02. Review status: criteria provided, single submitter. Criteria: Invitae Variant Classification Sherloc (09022015). Collection method: clinical testing. Allele origin: germline.
Comment: In summary, the currently available evidence indicates that the variant is pathogenic, but additional data are needed to prove that conclusively. Therefore, this variant has been classified as Likely Pathogenic. Algorithms developed to predict the effect of sequence changes on RNA splicing suggest that this variant may disrupt the consensus splice site. This variant has not been reported in the literature in individuals affected with NDUFS2-related conditions. This variant is not present in population databases (gnomAD no frequency). This sequence change affects a donor splice site in intron 12 of the NDUFS2 gene. It is expected to disrupt RNA splicing. Variants that disrupt the donor or acceptor splice site typically lead to a loss of protein function (PMID: 16199547), and loss-of-function variants in NDUFS2 are known to be pathogenic (PMID: 20818383, 31411514).

Literature cited by the submitters: PubMed 16199547; PubMed 20818383; PubMed 31411514.